The following is an entry in ClinVar:

ClinVar aggregate classification (germline): Uncertain significance. Review status: criteria provided, multiple submitters, no conflicts (2 of 4 stars). 3 submissions from 3 submitters: Uncertain significance (3). Last evaluated 2025-03-16.

Conditions:
Hereditary cancer-predisposing syndrome. Also called: Neoplastic Syndromes, Hereditary; Tumor predisposition; Hereditary neoplastic syndrome; Hereditary Cancer Syndrome. Identifiers: Orphanet 140162, MedGen C0027672, MeSH D009386, MONDO:0015356.
Familial melanoma. Also called: Hereditary melanoma; Hereditary cutaneous melanoma. Identifiers: Orphanet 618, MedGen C1512419, MONDO:0018961.

Allele frequency attached by ClinVar (database versions not stated): gnomAD 0.00001; TOPMed 0.00001.

Submissions (3):

Labcorp Genetics (formerly Invitae), Labcorp
Classification: Uncertain significance for Familial melanoma. Last evaluated: 2025-03-16. Review status: criteria provided, single submitter. Criteria: Invitae Variant Classification Sherloc (09022015). Collection method: clinical testing. Allele origin: germline.
Comment: This sequence change replaces isoleucine, which is neutral and non-polar, with threonine, which is neutral and polar, at codon 164 of the CDK4 protein (p.Ile164Thr). This variant is not present in population databases (gnomAD no frequency). This variant has not been reported in the literature in individuals affected with CDK4-related conditions. ClinVar contains an entry for this variant (Variation ID: 825290). An algorithm developed to predict the effect of missense changes on protein structure and function (PolyPhen-2) suggests that this variant is likely to be tolerated. In summary, the available evidence is currently insufficient to determine the role of this variant in disease. Therefore, it has been classified as a Variant of Uncertain Significance.

Ambry Genetics
Classification: Uncertain significance for Hereditary cancer-predisposing syndrome. Last evaluated: 2024-02-25. Review status: criteria provided, single submitter. Criteria: Ambry Variant Classification Scheme 2023. Collection method: clinical testing. Allele origin: germline.
Comment: The p.I164T variant (also known as c.491T>C), located in coding exon 3 of the CDK4 gene, results from a T to C substitution at nucleotide position 491. The isoleucine at codon 164 is replaced by threonine, an amino acid with similar properties. This amino acid position is well conserved in available vertebrate species. In addition, the in silico prediction for this alteration is inconclusive. Since supporting evidence is limited at this time, the clinical significance of this alteration remains unclear.

GeneDx
Classification: Uncertain significance. Last evaluated: 2023-10-24. Review status: criteria provided, single submitter. Criteria: GeneDx Variant Classification Process June 2021. Collection method: clinical testing. Allele origin: germline. Affected: yes.
Comment: Not observed at significant frequency in large population cohorts (gnomAD); In silico analysis supports that this missense variant does not alter protein structure/function; Has not been previously published as pathogenic or benign to our knowledge

NM_000075.4(CDK4):c.491T>C (p.Ile164Thr)

Gene: CDK4 (cyclin dependent kinase 4; minus strand). Cytogenetic location: 12q14.1.
Variant type: single nucleotide variant.
Coding change: c.491T>C on transcript NM_000075.4 (MANE Select); coding-DNA position 491, T replaced by C.
Protein change: p.Ile164Thr; replaces isoleucine 164 with threonine.
Molecular consequence: missense variant.
Genome position (GRCh38, 1-based): chr12:57,750,954, A>G on the plus strand (T>C on the coding strand, the complement: CDK4 is on the minus strand). VCF-style: chr12-57750954-A-G. GRCh37 (hg19) VCF-style: chr12-58144737-A-G.
Other names: c.491T>C (NM_000075.2); short protein forms I164T.
Identifiers: ClinVar variation 825290 (VCV000825290.15), dbSNP rs1222529576, ClinGen allele CA385546227.